The following is an entry in ClinVar:

NM_015164.4(PLEKHM2):c.2151T>G (p.Asp717Glu)

Gene: PLEKHM2 (pleckstrin homology and RUN domain containing M2; plus strand). Cytogenetic location: 1p36.21.
Variant type: single nucleotide variant.
Coding change: c.2151T>G on transcript NM_015164.4 (MANE Select); coding-DNA position 2151, T replaced by G.
Protein change: p.Asp717Glu; replaces aspartic acid 717 with glutamic acid.
Molecular consequence: missense variant.
Genome position (GRCh38, 1-based): chr1:15,729,872, T>G. VCF-style: chr1-15729872-T-G. GRCh37 (hg19) VCF-style: chr1-16056367-T-G.
Other names: short protein forms D717E.
Identifiers: ClinVar variation 1397638 (VCV001397638.8), dbSNP rs2068115318, ClinGen allele CA338570019.

ClinVar aggregate classification (germline): Uncertain significance (1 of 4 stars; one submission).

Submission:

Labcorp Genetics (formerly Invitae), Labcorp
Classification: Uncertain significance. Last evaluated: 2020-12-16. Review status: criteria provided, single submitter. Criteria: Invitae Variant Classification Sherloc (09022015). Collection method: clinical testing. Allele origin: germline.
Comment: This sequence change replaces aspartic acid with glutamic acid at codon 717 of the PLEKHM2 protein (p.Asp717Glu). The aspartic acid residue is highly conserved and there is a small physicochemical difference between aspartic acid and glutamic acid. This variant is not present in population databases (ExAC no frequency). This variant has not been reported in the literature in individuals with PLEKHM2-related conditions. Algorithms developed to predict the effect of missense changes on protein structure and function are either unavailable or do not agree on the potential impact of this missense change (SIFT: "Deleterious"; PolyPhen-2: "Benign"; Align-GVGD: "Class C0"). In summary, the available evidence is currently insufficient to determine the role of this variant in disease. Therefore, it has been classified as a Variant of Uncertain Significance.